The following is an entry in ClinVar:

NM_012079.6(DGAT1):c.1152G>A (p.Trp384Ter)

Gene: DGAT1 (diacylglycerol O-acyltransferase 1; minus strand). Cytogenetic location: 8q24.3.
Variant type: single nucleotide variant.
Coding change: c.1152G>A on transcript NM_012079.6 (MANE Select); coding-DNA position 1152, G replaced by A.
Protein change: p.Trp384Ter; replaces tryptophan 384 with a stop codon.
Molecular consequence: nonsense.
Genome position (GRCh38, 1-based): chr8:144,317,195, C>T on the plus strand (G>A on the coding strand, the complement: DGAT1 is on the minus strand). VCF-style: chr8-144317195-C-T. GRCh37 (hg19) VCF-style: chr8-145540858-C-T.
Other names: short protein forms W384*.
Identifiers: ClinVar variation 3000461 (VCV003000461.3), dbSNP rs2130513020, ClinGen allele CA372608394.

ClinVar aggregate classification (germline): Pathogenic (1 of 4 stars; one submission).

Submission:

Labcorp Genetics (formerly Invitae), Labcorp
Classification: Pathogenic. Last evaluated: 2023-06-23. Review status: criteria provided, single submitter. Criteria: Invitae Variant Classification Sherloc (09022015). Collection method: clinical testing. Allele origin: germline.
Comment: This variant has not been reported in the literature in individuals affected with DGAT1-related conditions. This sequence change creates a premature translational stop signal (p.Trp384*) in the DGAT1 gene. It is expected to result in an absent or disrupted protein product. Loss-of-function variants in DGAT1 are known to be pathogenic (PMID: 29604290). This variant is not present in population databases (gnomAD no frequency). For these reasons, this variant has been classified as Pathogenic.

Literature cited by the submitters: PubMed 29604290.